The following is an entry in ClinVar:

ClinVar aggregate classification (germline): Uncertain significance (1 of 4 stars; one submission).

Submission:

Labcorp Genetics (formerly Invitae), Labcorp
Classification: Uncertain significance. Last evaluated: 2024-04-03. Review status: criteria provided, single submitter. Criteria: Invitae Variant Classification Sherloc (09022015). Collection method: clinical testing. Allele origin: germline.
Comment: This variant, c.1444_1446del, results in the deletion of 1 amino acid(s) of the RNF43 protein (p.Cys482del), but otherwise preserves the integrity of the reading frame. This variant is not present in population databases (gnomAD no frequency). This variant has not been reported in the literature in individuals affected with RNF43-related conditions. Experimental studies and prediction algorithms are not available or were not evaluated, and the functional significance of this variant is currently unknown. In summary, the available evidence is currently insufficient to determine the role of this variant in disease. Therefore, it has been classified as a Variant of Uncertain Significance.

NM_017763.6(RNF43):c.1444_1446del (p.Cys482del)

Gene: RNF43 (ring finger protein 43; minus strand). Cytogenetic location: 17q22.
Variant type: Deletion.
Coding change: c.1444_1446del on transcript NM_017763.6 (MANE Select); coding-DNA positions 1444 to 1446, 3 bases deleted (TGC; older notation c.1444_1446delTGC).
Protein change: p.Cys482del; deletes cysteine 482.
Molecular consequence: inframe deletion. On other transcripts: inframe indel (2).
Genome position (GRCh38, 1-based): chr17:58,358,330-58,358,332, GCA deleted on the plus strand (TGC on the coding strand, the reverse complement: RNF43 is on the minus strand); deleting any 3 consecutive bases within chr17:58,358,330-58,358,333 gives the same sequence; the c. name uses the placement nearest the transcript's 3' end. VCF-style (leftmost placement, unchanged base first): chr17-58358329-TGCA-T. GRCh37 (hg19) VCF-style: chr17-56435690-TGCA-T.
Other names: c.1443_1445delCTG, p.Cys482del (NM_001305544.3); c.1062_1064delCTG, p.Cys355del (NM_001305545.2); short protein forms C355del, C482del.
Identifiers: ClinVar variation 3699985 (VCV003699985.2).